The following is an entry in ClinVar:

NM_001199107.2(TBC1D24):c.*36G>A

Gene: TBC1D24 (TBC1 domain family member 24; plus strand). Cytogenetic location: 16p13.3.
Variant type: single nucleotide variant.
Coding change: c.*36G>A on transcript NM_001199107.2 (MANE Select); 36 bases downstream of the stop codon, G replaced by A.
Molecular consequence: 3 prime UTR variant.
Genome position (GRCh38, 1-based): chr16:2,500,994, G>A. VCF-style: chr16-2500994-G-A. GRCh37 (hg19) VCF-style: chr16-2550995-G-A.
Other names: c.*36G>A (NM_020705.3).
Identifiers: ClinVar variation 887663 (VCV000887663.7), dbSNP rs73490289, ClinGen allele CA7844391.

ClinVar aggregate classification (germline): Likely benign. Review status: criteria provided, multiple submitters, no conflicts (2 of 4 stars). 2 submissions from 2 submitters: Likely benign (2). Last evaluated 2020-07-19.

Conditions:
Familial infantile myoclonic epilepsy (FIME). Also called: TBC1D24-Related Familial Infantile Myoclonic Epilepsy (FIME); Epilepsy, Myoclonic, Infantile. Identifiers: Orphanet 352582, MedGen C0917800, MONDO:0011506, OMIM 605021.

Allele frequency attached by ClinVar (database versions not stated): 1000 Genomes Project 0.00200; 1000 Genomes Project 30x 0.00187; TOPMed 0.00053.
gnomAD v4.1: 1,366 of 1,603,484 alleles (0.085%); highest among the groups gnomAD compares: South Asian, 0.63%; 6 homozygotes.

Submissions (2):

GeneDx
Classification: Likely benign. Last evaluated: 2020-07-19. Review status: criteria provided, single submitter. Criteria: GeneDx Variant Classification Process June 2021. Collection method: clinical testing. Allele origin: germline. Affected: yes.

Illumina Laboratory Services, Illumina
Classification: Likely benign for Familial infantile myoclonic epilepsy. Last evaluated: 2018-01-13. Review status: criteria provided, single submitter. Criteria: ICSL Variant Classification Criteria 13 December 2019. Collection method: clinical testing. Allele origin: germline.
Comment: This variant was observed in the ICSL laboratory as part of a predisposition screen in an ostensibly healthy population. It had not been previously curated by ICSL or reported in the Human Gene Mutation Database (HGMD: prior to June 1st, 2018), and was therefore a candidate for classification through an automated scoring system. Utilizing variant allele frequency, disease prevalence and penetrance estimates, and inheritance mode, an automated score was calculated to assess if this variant is too frequent to cause the disease. Based on the score and internal cut-off values, a variant classified as likely benign is not then subjected to further curation. The score for this variant resulted in a classification of likely benign for this disease.